The following is an entry in ClinVar:

ClinVar aggregate classification (germline): Uncertain significance (1 of 4 stars; one submission).

Submission:

Labcorp Genetics (formerly Invitae), Labcorp
Classification: Uncertain significance. Last evaluated: 2022-11-24. Review status: criteria provided, single submitter. Criteria: Invitae Variant Classification Sherloc (09022015). Collection method: clinical testing. Allele origin: germline.
Comment: Experimental studies and prediction algorithms are not available or were not evaluated, and the functional significance of this variant is currently unknown. In summary, the available evidence is currently insufficient to determine the role of this variant in disease. Therefore, it has been classified as a Variant of Uncertain Significance. ClinVar contains an entry for this variant (Variation ID: 1447952). This variant, c.2375_2392del, results in the deletion of 6 amino acid(s) of the LONP1 protein (p.Ala792_Asp797del), but otherwise preserves the integrity of the reading frame. This variant is not present in population databases (gnomAD no frequency). This variant has not been reported in the literature in individuals affected with LONP1-related conditions.

NM_004793.4(LONP1):c.2375_2392del (p.Ala792_Asp797del)

Gene: LONP1 (lon peptidase 1, mitochondrial; minus strand). Cytogenetic location: 19p13.3.
Variant type: Deletion.
Coding change: c.2375_2392del on transcript NM_004793.4 (MANE Select); coding-DNA positions 2375 to 2392, 18 bases deleted (CCAAGGGTGACAAGGATG).
Protein change: p.Ala792_Asp797del.
Molecular consequence: inframe deletion. On other transcripts: non-coding transcript variant (1).
Genome position (GRCh38, 1-based): chr19:5,693,698-5,693,715, CATCCTTGTCACCCTTGG deleted on the plus strand (CCAAGGGTGACAAGGATG on the coding strand, the reverse complement: LONP1 is on the minus strand); deleting any 18 consecutive bases within chr19:5,693,698-5,693,725 gives the same sequence; the c. name uses the placement nearest the transcript's 3' end. VCF-style (leftmost placement, unchanged base first): chr19-5693697-CCATCCTTGTCACCCTTGG-C. GRCh37 (hg19) VCF-style: chr19-5693708-CCATCCTTGTCACCCTTGG-C.
Other names: c.2183_2200del, p.Ala728_Asp733del (NM_001276479.2); c.1787_1804del, p.Ala596_Asp601del (NM_001276480.1).
Identifiers: ClinVar variation 1447952 (VCV001447952.6), dbSNP rs2054873294, ClinGen allele CA2320059591.
Genomic context (GRCh38, chr19:5,693,697, plus strand): 5'-TAGGCTATGCGGGCGCTCTCCTTCATCACCTCCCCCAGCTGGCCTGTCACCTCCAGGCTG[CCATCCTTGTCACCCTTGG>C]CATCCTTGTCCTGTGGCCGTCTCAGGGATGTCTCCACAAACAGCGTGGAGCCTCCTGAAA-3'